The following is an entry in ClinVar:

ClinVar aggregate classification (germline): Pathogenic (1 of 4 stars; one submission).

Conditions:
Nemaline myopathy 9 (NEM9). Identifiers: MedGen C3810384, MONDO:0014326, OMIM 615731.

Submission:

Labcorp Genetics (formerly Invitae), Labcorp
Classification: Pathogenic for Nemaline myopathy 9. Last evaluated: 2022-10-17. Review status: criteria provided, single submitter. Criteria: Invitae Variant Classification Sherloc (09022015). Collection method: clinical testing. Allele origin: germline.
Comment: For these reasons, this variant has been classified as Pathogenic. This variant has not been reported in the literature in individuals affected with KLHL41-related conditions. This variant is not present in population databases (gnomAD no frequency). This sequence change creates a premature translational stop signal (p.Ser52Leufs*2) in the KLHL41 gene. It is expected to result in an absent or disrupted protein product. Loss-of-function variants in KLHL41 are known to be pathogenic (PMID: 24268659).

Literature cited by the submitters: PubMed 24268659.

NM_006063.3(KLHL41):c.155_159del (p.Ser52fs)

Gene: KLHL41 (kelch like family member 41; plus strand). Cytogenetic location: 2q31.1.
Variant type: Deletion.
Coding change: c.155_159del on transcript NM_006063.3 (MANE Select); coding-DNA positions 155 to 159, 5 bases deleted (CAGCT; older notation c.155_159delCAGCT).
Protein change: p.Ser52fs; shifts the reading frame from serine 52.
Molecular consequence: frameshift variant.
Genome position (GRCh38, 1-based): chr2:169,509,933-169,509,937, CAGCT deleted; deleting any 5 consecutive bases within chr2:169,509,932-169,509,937 gives the same sequence; the c. name uses the placement nearest the transcript's 3' end. VCF-style (leftmost placement, unchanged base first): chr2-169509931-GTCAGC-G. GRCh37 (hg19) VCF-style: chr2-170366441-GTCAGC-G.
Other names: short protein forms S52fs.
Identifiers: ClinVar variation 1982923 (VCV001982923.4), dbSNP rs2468054831, ClinGen allele CA2580064471.